The following is an entry in ClinVar:

NM_001367624.2(ZNF469):c.3641A>C (p.Glu1214Ala)

Gene: ZNF469 (zinc finger protein 469; plus strand). Cytogenetic location: 16q24.2.
Variant type: single nucleotide variant.
Coding change: c.3641A>C on transcript NM_001367624.2 (MANE Select); coding-DNA position 3641, A replaced by C.
Protein change: p.Glu1214Ala; replaces glutamic acid 1214 with alanine.
Molecular consequence: missense variant.
Genome position (GRCh38, 1-based): chr16:88,431,111, A>C. VCF-style: chr16-88431111-A-C. GRCh37 (hg19) VCF-style: chr16-88497519-A-C.
Other names: NM_001127464.1:c.3557A>C; short protein forms E1214A.
Identifiers: ClinVar variation 1732642 (VCV001732642.9), dbSNP rs898760567, ClinGen allele CA286375077.
Genomic context (GRCh38, chr16:88,431,111, plus strand): 5'-GCCCCTCAGTGGCCCCCAAGGATCCCCTGCAGGTCCCCACCAACACCGAGACCTCAGAGG[A>C]AACCCGCCCGTCGCTGGACTTTCCCCAGGAGGCCAAGGAGCCTGAAACTGCCGAAGAGTC-3'
Protein context (NP_001354553.1, residues 1204-1224): QVPTNTETSE[Glu1214Ala]TRPSLDFPQE

ClinVar aggregate classification (germline): Uncertain significance. Review status: criteria provided, multiple submitters, no conflicts (2 of 4 stars). 4 submissions from 4 submitters: Uncertain significance (4). Last evaluated 2025-12-24.

Conditions:
Cardiovascular phenotype. Identifiers: MedGen CN230736.
Brittle cornea syndrome 1 (BCS1). Also called: DYSGENESIS MESODERMALIS CORNEAE ET SCLERAE; EDS6B; FRAGILITAS OCULI WITH JOINT HYPEREXTENSIBILITY; Corneal fragility keratoglobus, blue sclerae AND joint hypermobility; CORNEAL FRAGILITY, KERATOGLOBUS, BLUE SCLERAE, JOINT HYPEREXTENSIBILITY. Identifiers: Orphanet 90354, MedGen C0268344, MONDO:0024543, OMIM 229200.

Allele frequency attached by ClinVar (database versions not stated): gnomAD exomes 0.00001; TOPMed 0.00001.
gnomAD v4.1: 17 of 1,550,154 alleles (0.0011%); highest among the groups gnomAD compares: Non-Finnish European, 0.0015%; no homozygotes.

Submissions (4):

Labcorp Genetics (formerly Invitae), Labcorp
Classification: Uncertain significance. Last evaluated: 2025-12-24. Review status: criteria provided, single submitter. Criteria: Invitae Variant Classification Sherloc (09022015). Collection method: clinical testing. Allele origin: germline.
Comment: This sequence change replaces glutamic acid, which is acidic and polar, with alanine, which is neutral and non-polar, at codon 1186 of the ZNF469 protein (p.Glu1186Ala). This variant is present in population databases (no rsID available, gnomAD 0.002%). This variant has not been reported in the literature in individuals affected with ZNF469-related conditions. ClinVar contains an entry for this variant (Variation ID: 1732642). An algorithm developed to predict the effect of missense changes on protein structure and function (PolyPhen-2) suggests that this variant is likely to be tolerated. In summary, the available evidence is currently insufficient to determine the role of this variant in disease. Therefore, it has been classified as a Variant of Uncertain Significance.

Women's Health and Genetics/Laboratory Corporation of America, LabCorp
Classification: Uncertain significance. Last evaluated: 2025-10-08. Review status: criteria provided, single submitter. Criteria: LabCorp Variant Classification Summary - May 2015. Collection method: clinical testing. Allele origin: germline.
Comment: Variant summary: ZNF469 c.3641A>C (p.Glu1214Ala) results in a non-conservative amino acid change in the encoded protein sequence. Algorithms developed to predict the effect of missense changes on protein structure and function are either unavailable or do not agree on the potential impact of this missense change. The variant allele was found at a frequency of 6.5e-06 in 152806 control chromosomes. The available data on variant occurrences in the general population are insufficient to allow any conclusion about variant significance. To our knowledge, no occurrence of c.3641A>C in individuals affected with ZNF469-related conditions and no experimental evidence demonstrating its impact on protein function have been reported. ClinVar contains an entry for this variant (Variation ID: 1732642). Based on the evidence outlined above, the variant was classified as uncertain significance.

Ambry Genetics
Classification: Uncertain significance for Cardiovascular phenotype. Last evaluated: 2024-07-30. Review status: criteria provided, single submitter. Criteria: Ambry Variant Classification Scheme 2023. Collection method: clinical testing. Allele origin: germline.

Department of Pathology and Laboratory Medicine, Sinai Health System
Classification: Uncertain significance for Brittle cornea syndrome 1. Last evaluated: 2022-02-22. Review status: criteria provided, single submitter. Criteria: ACMG Guidelines, 2015. Collection method: research. Allele origin: germline.